The following is an entry in ClinVar:

NM_001276345.2(TNNT2):c.363G>A (p.Glu121=)

Gene: TNNT2 (troponin T2, cardiac type; minus strand). Cytogenetic location: 1q32.1.
Variant type: single nucleotide variant.
Coding change: c.363G>A on transcript NM_001276345.2 (MANE Select); coding-DNA position 363, G replaced by A.
Protein change: p.Glu121=; no amino-acid change (glutamic acid 121 retained).
Molecular consequence: synonymous variant. On other transcripts: intron variant (1).
Genome position (GRCh38, 1-based): chr1:201,365,239, C>T on the plus strand (G>A on the coding strand, the complement: TNNT2 is on the minus strand). VCF-style: chr1-201365239-C-T. GRCh37 (hg19) VCF-style: chr1-201334367-C-T.
Other names: c.363G>A, p.Glu121= (NM_000364.4); c.333G>A, p.Glu111= (NM_001001430.3, NM_001001431.3, NM_001276347.2); c.318G>A, p.Glu106= (NM_001001432.3); c.291+371G>A (NM_001276346.2).
Identifiers: ClinVar variation 1113967 (VCV001113967.10), dbSNP rs2102261144, ClinGen allele CA089786.

ClinVar aggregate classification (germline): Conflicting classifications of pathogenicity. Review status: criteria provided, conflicting classifications (1 of 4 stars). 2 submissions from 2 submitters: Uncertain significance (1); Likely benign (1). Last evaluated 2025-06-17.

Conditions:
Hypertrophic cardiomyopathy 2. Also called: TNNT2-Related Familial Hypertrophic Cardiomyopathy. Identifiers: MedGen C1861864, MONDO:0007266, OMIM 115195.
Cardiomyopathy, familial restrictive, 3. Identifiers: Orphanet 75249, MedGen C2676271, MONDO:0012900, OMIM 612422.
Dilated cardiomyopathy 1D. Identifiers: Orphanet 154, Orphanet 54260, MedGen C1832243, MONDO:0011095, OMIM 601494.
Cardiomyopathy (CMYO). Also called: Cardiomyopathies. Identifiers: Orphanet 167848, MedGen C0878544, MONDO:0004994, HP:0001638. Inheritance: Various modes of inheritance.

Submissions (2):

Color Diagnostics, LLC DBA Color Health
Classification: Uncertain significance for Cardiomyopathy. Last evaluated: 2025-06-17. Review status: criteria provided, single submitter. Criteria: ACMG Guidelines, 2015. Collection method: clinical testing. Allele origin: germline.
Comment: This variant is located in the TNNT2 protein. To our knowledge, functional studies have not been reported for this variant. This variant has not been reported in individuals affected with TNNT2-related disorders in the literature. This variant has not been identified in the general population by the Genome Aggregation Database (gnomAD). The available evidence is insufficient to determine the role of this variant in disease conclusively. Therefore, this variant is classified as a Variant of Uncertain Significance.

Labcorp Genetics (formerly Invitae), Labcorp
Classification: Likely benign for Cardiomyopathy, familial restrictive, 3; Hypertrophic cardiomyopathy 2; Dilated cardiomyopathy 1D. Last evaluated: 2019-12-13. Review status: criteria provided, single submitter. Criteria: Invitae Variant Classification Sherloc (09022015). Collection method: clinical testing. Allele origin: germline.